The following is an entry in ClinVar:

ClinVar aggregate classification (germline): Benign/Likely benign. Review status: criteria provided, multiple submitters, no conflicts (2 of 4 stars). 13 submissions from 12 submitters: Benign (7); Likely benign (3). 3 of the submissions do not count toward it. Last evaluated 2026-01-27.

Conditions:
Charcot-Marie-Tooth disease dominant intermediate B (CMTDIB). Also called: CHARCOT-MARIE-TOOTH NEUROPATHY, DOMINANT INTERMEDIATE B; Charcot-Marie-Tooth disease dominant intermediate 1; CMT DI1; Charcot-Marie-Tooth disease dominant intermediate I. Identifiers: Orphanet 100044, Orphanet 228179, MedGen C1847902, MONDO:0011674, OMIM 606482.
Autosomal dominant centronuclear myopathy. Also called: MYOTUBULAR MYOPATHY, AUTOSOMAL DOMINANT; Myopathy, centronuclear, 3. Identifiers: Orphanet 169189, MedGen C4551952, MeSH D020914, MONDO:0008048, OMIM 160150.

Allele frequency attached by ClinVar (database versions not stated): gnomAD exomes 0.00109 and 0.00273; ExAC 0.00298; ESP Exome Variant Server 0.00569; 1000 Genomes Project 0.00619; 1000 Genomes Project 30x 0.00640; gnomAD 0.00709 and 0.00748; TOPMed 0.00812.
gnomAD v4.1: 2,754 of 1,613,852 alleles (0.17%); highest among the groups gnomAD compares: African/African-American, 2.3%; 31 homozygotes.

Submissions (20):

Labcorp Genetics (formerly Invitae), Labcorp
Classification: Benign for Charcot-Marie-Tooth disease dominant intermediate B. Last evaluated: 2026-01-27. Review status: criteria provided, single submitter. Criteria: Invitae Variant Classification Sherloc (09022015). Collection method: clinical testing. Allele origin: germline.

Blueprint Genetics
Classification: Likely benign. Last evaluated: 2024-10-25. Review status: criteria provided, single submitter. Criteria: ACMG Guidelines, 2015. Collection method: clinical testing. Allele origin: germline.

ARUP Laboratories, Molecular Genetics and Genomics, ARUP Laboratories
Classification: Benign. Last evaluated: 2022-03-31. Review status: criteria provided, single submitter. Criteria: ARUP Molecular Germline Variant Investigation Process 2021. Collection method: clinical testing. Allele origin: germline.

GeneDx
Classification: Benign. Last evaluated: 2018-01-17. Review status: criteria provided, single submitter. Criteria: GeneDx Variant Classification (06012015). Collection method: clinical testing. Allele origin: germline. Affected: yes.
Comment: This variant is considered likely benign or benign based on one or more of the following criteria: it is a conservative change, it occurs at a poorly conserved position in the protein, it is predicted to be benign by multiple in silico algorithms, and/or has population frequency not consistent with disease.

Illumina Laboratory Services, Illumina
Classification: Benign for Autosomal dominant centronuclear myopathy. Last evaluated: 2018-01-13. Review status: criteria provided, single submitter. Criteria: ICSL Variant Classification Criteria 13 December 2019. Collection method: clinical testing. Allele origin: germline.
Comment: This variant was observed in the ICSL laboratory as part of a predisposition screen in an ostensibly healthy population. It had not been previously curated by ICSL or reported in the Human Gene Mutation Database (HGMD: prior to June 1st, 2018), and was therefore a candidate for classification through an automated scoring system. Utilizing variant allele frequency, disease prevalence and penetrance estimates, and inheritance mode, an automated score was calculated to assess if this variant is too frequent to cause the disease. Based on the score and internal cut-off values, a variant classified as benign is not then subjected to further curation. The score for this variant resulted in a classification of benign for this disease.

Illumina Laboratory Services, Illumina
Classification: Benign for Charcot-Marie-Tooth disease dominant intermediate B. Last evaluated: 2018-01-13. Review status: criteria provided, single submitter. Criteria: ICSL Variant Classification Criteria 13 December 2019. Collection method: clinical testing. Allele origin: germline.
Comment: the same text as in the submission from Illumina Laboratory Services, Illumina above.

Center for Pediatric Genomic Medicine, Children's Mercy Hospital and Clinics
Classification: Likely benign. Last evaluated: 2017-01-02. Review status: criteria provided, single submitter. Criteria: ACMG Guidelines, 2015. Collection method: clinical testing. Allele origin: germline.
ClinVar note: Converted during submission from Likely Benign to Likely benign.

Genetic Services Laboratory, University of Chicago
Classification: Benign. Last evaluated: 2013-02-08. Review status: criteria provided, single submitter. Criteria: ACMG Guidelines, 2007. Collection method: clinical testing. Allele origin: germline. Inheritance: Autosomal dominant inheritance.

Breakthrough Genomics
Classification: Likely benign. Review status: criteria provided, single submitter. Criteria: ACMG Guidelines, 2015. Collection method: not provided. Allele origin: germline. Inheritance: Autosomal recessive inheritance. Affected: yes.

PreventionGenetics, part of Exact Sciences
Classification: Benign. Review status: criteria provided, single submitter. Criteria: ACMG Guidelines, 2015. Collection method: clinical testing. Allele origin: germline.

Clinical Genetics, Academic Medical Center
Classification: Benign. Review status: no assertion criteria provided. Collection method: clinical testing. Allele origin: germline. Affected: yes. Study: VKGL Data-share Consensus. Not counted in ClinVar's aggregate classification.

Dr. Peter K. Rogan Lab, Western University
No classification provided (evidence only). Condition: Clear cell carcinoma of kidney. Review status: no classification provided. Collection method: in vitro. Allele origin: not applicable. Functional consequence: retained intron. Not counted in ClinVar's aggregate classification.

Dr. Peter K. Rogan Lab, Western University
No classification provided (evidence only). Condition: Acute myeloid leukemia. Review status: no classification provided. Collection method: in vitro. Allele origin: not applicable. Functional consequence: retained intron. Not counted in ClinVar's aggregate classification.

Dr. Peter K. Rogan Lab, Western University
No classification provided (evidence only). Condition: Acute myeloid leukemia. Review status: no classification provided. Collection method: in vitro. Allele origin: not applicable. Functional consequence: retained intron. Not counted in ClinVar's aggregate classification.

Dr. Peter K. Rogan Lab, Western University
No classification provided (evidence only). Condition: Uterine corpus endometrial carcinoma. Review status: no classification provided. Collection method: in vitro. Allele origin: not applicable. Functional consequence: retained intron. Not counted in ClinVar's aggregate classification.

Dr. Peter K. Rogan Lab, Western University
No classification provided (evidence only). Condition: Uterine corpus endometrial carcinoma. Review status: no classification provided. Collection method: in vitro. Allele origin: not applicable. Functional consequence: retained intron. Not counted in ClinVar's aggregate classification.

Dr. Peter K. Rogan Lab, Western University
No classification provided (evidence only). Condition: Uterine corpus endometrial carcinoma. Review status: no classification provided. Collection method: in vitro. Allele origin: not applicable. Functional consequence: skipped exon. Not counted in ClinVar's aggregate classification.

Dr. Peter K. Rogan Lab, Western University
No classification provided (evidence only). Condition: Cervical cancer. Review status: no classification provided. Collection method: in vitro. Allele origin: not applicable. Functional consequence: retained intron. Not counted in ClinVar's aggregate classification.

Genome Diagnostics Laboratory, University Medical Center Utrecht
Classification: Benign. Review status: no assertion criteria provided. Collection method: clinical testing. Allele origin: germline. Affected: yes. Study: VKGL Data-share Consensus. Not counted in ClinVar's aggregate classification.

Joint Genome Diagnostic Labs from Nijmegen and Maastricht, Radboudumc and MUMC+
Classification: Benign. Review status: no assertion criteria provided. Collection method: clinical testing. Allele origin: germline. Affected: yes. Study: VKGL Data-share Consensus. Not counted in ClinVar's aggregate classification.

NM_001005361.3(DNM2):c.235+6A>G

Gene: DNM2 (dynamin 2; plus strand). Cytogenetic location: 19p13.2.
Variant type: single nucleotide variant.
Coding change: c.235+6A>G on transcript NM_001005361.3 (MANE Select); 6 bases into the intron after coding-DNA position 235, A replaced by G.
Molecular consequence: intron variant.
Genome position (GRCh38, 1-based): chr19:10,759,817, A>G. VCF-style: chr19-10759817-A-G. GRCh37 (hg19) VCF-style: chr19-10870493-A-G.
Other names: c.235+6A>G (NM_001005360.3, NM_001190716.2, NM_004945.4 and 1 more transcripts).
Identifiers: ClinVar variation 158525 (VCV000158525.38), dbSNP rs113192269, ClinGen allele CA172126.